The following is an entry in ClinVar:

ClinVar aggregate classification (germline): Uncertain significance (0 of 4 stars; one submission).

Conditions:
PLXNA3-related disorder. Also called: PLXNA3-related condition.

Submission:

PreventionGenetics, part of Exact Sciences
Classification: Uncertain significance for PLXNA3-related condition. Last evaluated: 2024-04-18. Review status: no assertion criteria provided. Collection method: clinical testing. Allele origin: germline.
Comment: The PLXNA3 c.154C>G variant is predicted to result in the amino acid substitution p.Arg52Gly. To our knowledge, this variant has not been reported in the literature or in a large population database, indicating this variant is rare. At this time, the clinical significance of this variant is uncertain due to the absence of conclusive functional and genetic evidence.

NM_017514.5(PLXNA3):c.154C>G (p.Arg52Gly)

Gene: PLXNA3 (plexin A3; plus strand). Cytogenetic location: Xq28.
Variant type: single nucleotide variant.
Coding change: c.154C>G on transcript NM_017514.5 (MANE Select); coding-DNA position 154, C replaced by G.
Protein change: p.Arg52Gly; replaces arginine 52 with glycine.
Molecular consequence: missense variant.
Genome position (GRCh38, 1-based): chrX:154,460,337, C>G. VCF-style: chrX-154460337-C-G. GRCh37 (hg19) VCF-style: chrX-153688677-C-G.
Other names: short protein forms R52G.
Identifiers: ClinVar variation 3344735 (VCV003344735.1).
Genomic context (GRCh38, chrX:154,460,337, plus strand): 5'-ACGCTTACCCACCTGGCTGTGCACCGGGTGACTGGGGAGGTGTTCGTGGGCGCAGTGAAC[C>G]GAGTCTTTAAGCTGGCCCCCAACCTGACTGAGCTGCGGGCCCATGTCACGGGGCCCGTCG-3'
Protein context (NP_059984.3, residues 42-62): TGEVFVGAVN[Arg52Gly]VFKLAPNLTE